The following is an entry in ClinVar:

ClinVar aggregate classification (germline): Pathogenic (1 of 4 stars; one submission).

Submission:

GeneDx
Classification: Pathogenic. Last evaluated: 2016-04-15. Review status: criteria provided, single submitter. Criteria: GeneDx Variant Classification (06012015). Collection method: clinical testing. Allele origin: germline. Affected: yes.
Comment: The c.386-2 A>T splice site variant in the ALDH3A2 gene destroys the canonical splice acceptor site in intron 2. It is predicted to cause abnormal gene splicing, either leading to an abnormal message that is subject to nonsense-mediated mRNA decay, or to an abnormal protein product if the message is used for protein translation. The variant was not observed in approximately 6,500 individuals of European and African American ancestry in the NHLBI Exome Sequencing Project, indicating it is not a common benign variant in these populations.

NM_000382.3(ALDH3A2):c.386-2A>T

Gene: ALDH3A2 (aldehyde dehydrogenase 3 family member A2; plus strand). Cytogenetic location: 17p11.2.
Variant type: single nucleotide variant.
Coding change: c.386-2A>T on transcript NM_000382.3 (MANE Select); the canonical splice acceptor site of the intron before coding-DNA position 386, A replaced by T.
Molecular consequence: splice acceptor variant.
Genome position (GRCh38, 1-based): chr17:19,652,545, A>T. VCF-style: chr17-19652545-A-T. GRCh37 (hg19) VCF-style: chr17-19555858-A-T.
Other names: c.-303-2A>T (NM_001369148.2); c.386-2A>T (NM_001369137.2, NM_001369138.2, NM_001369146.2 and 3 more transcripts).
Identifiers: ClinVar variation 265030 (VCV000265030.2), dbSNP rs886039305, ClinGen allele CA10588645.
Genomic context (GRCh38, chr17:19,652,545, plus strand): 5'-CATTTTGGTAGCTATTAAAGTTAAATATTAGATGATACTGTTCTACTTTTTACTTTATTT[A>T]GGAAATGCTGTGATTATAAAGCCTTCTGAACTGAGTGAAAATACAGCCAAGATCTTGGCA-3'